The following is an entry in ClinVar:

NM_006767.4(LZTR1):c.552T>C (p.Ser184=)

Gene: LZTR1 (leucine zipper like post translational regulator 1; plus strand). Cytogenetic location: 22q11.21.
Variant type: single nucleotide variant.
Coding change: c.552T>C on transcript NM_006767.4 (MANE Select); coding-DNA position 552, T replaced by C.
Protein change: p.Ser184=; no amino-acid change (serine 184 retained).
Molecular consequence: synonymous variant.
Genome position (GRCh38, 1-based): chr22:20,988,831, T>C. VCF-style: chr22-20988831-T-C. GRCh37 (hg19) VCF-style: chr22-21343120-T-C.
Identifiers: ClinVar variation 3030989 (VCV003030989.5), dbSNP rs2518614137, ClinGen allele CA513489349.
Genomic context (GRCh38, chr22:20,988,831, plus strand): 5'-TCTTCCCTCACACTCCAGGTTGCCAGTCGCTAGGTCAGCCCATGGGGCCACGGTGTACAG[T>C]GACAAGCTGTGGATCTTTGCTGGCTATGACGGCAACGCCAGGTGGGTGGTGGTCCGGCCT-3'
Protein context (NP_006758.2, residues 174-194): ARSAHGATVY[Ser184=]DKLWIFAGYD

ClinVar aggregate classification (germline): Likely benign. Review status: criteria provided, multiple submitters, no conflicts (2 of 4 stars). 3 submissions from 3 submitters: Likely benign (2). 1 of the submissions does not count toward it. Last evaluated 2025-09-20.

Conditions:
Cardiovascular phenotype. Identifiers: MedGen CN230736.
Hereditary cancer-predisposing syndrome. Also called: Tumor predisposition; Hereditary neoplastic syndrome; Hereditary Cancer Syndrome; Neoplastic Syndromes, Hereditary. Identifiers: Orphanet 140162, MedGen C0027672, MeSH D009386, MONDO:0015356.
LZTR1-related disorder. Also called: LZTR1-related disorders; LZTR1-related condition.

Allele frequency attached by ClinVar (database versions not stated): gnomAD exomes below 0.00001.
gnomAD v4.1: 2 of 1,614,106 alleles (0.00012%); highest among the groups gnomAD compares: East Asian, 0.0022%; no homozygotes.

Submissions (3):

Labcorp Genetics (formerly Invitae), Labcorp
Classification: Likely benign. Last evaluated: 2025-09-20. Review status: criteria provided, single submitter. Criteria: Invitae Variant Classification Sherloc (09022015). Collection method: clinical testing. Allele origin: germline.

Ambry Genetics
Classification: Likely benign for Cardiovascular phenotype; Hereditary cancer-predisposing syndrome. Last evaluated: 2023-04-22. Review status: criteria provided, single submitter. Criteria: Ambry Variant Classification Scheme 2023. Collection method: clinical testing. Allele origin: germline.

PreventionGenetics, part of Exact Sciences
Classification: Likely benign for LZTR1-related condition. Last evaluated: 2023-12-05. Review status: no assertion criteria provided. Collection method: clinical testing. Allele origin: germline. Not counted in ClinVar's aggregate classification.
Comment: This variant is classified as likely benign based on ACMG/AMP sequence variant interpretation guidelines (Richards et al. 2015 PMID: 25741868, with internal and published modifications).